The following is an entry in ClinVar:

ClinVar aggregate classification (germline): Uncertain significance. Review status: criteria provided, multiple submitters, no conflicts (2 of 4 stars). 2 submissions from 2 submitters: Uncertain significance (2). Last evaluated 2025-05-16.

Conditions:
ATP8B1-related disorder. Also called: ATP8B1-related condition; ATP8B1-related disorders.
Inborn genetic diseases. Identifiers: MedGen C0950123, MeSH D030342.

gnomAD v4.1: 15 of 1,611,134 alleles (0.00093%); highest among the groups gnomAD compares: African/African-American, 0.0027%; no homozygotes.

Submissions (2):

PreventionGenetics, part of Exact Sciences
Classification: Uncertain significance for ATP8B1-related condition. Last evaluated: 2025-05-16. Review status: criteria provided, single submitter. Criteria: ACMG Guidelines, 2015. Collection method: clinical testing. Allele origin: germline.
Comment: The ATP8B1 c.3749A>G variant is predicted to result in the amino acid substitution p.Asp1250Gly. To our knowledge, this variant has not been reported in the literature or in a large population database (gnomAD), indicating this variant is rare. At this time, the clinical significance of this variant is uncertain due to the absence of conclusive functional and genetic evidence.

Ambry Genetics
Classification: Uncertain significance for Inborn genetic diseases. Last evaluated: 2024-12-11. Review status: criteria provided, single submitter. Criteria: Ambry Variant Classification Scheme 2023. Collection method: clinical testing. Allele origin: germline.

NM_001374385.1(ATP8B1):c.3749A>G (p.Asp1250Gly)

Genes: ATP8B1 (ATPase phospholipid transporting 8B1; minus strand), ATP8B1-AS1 (ATP8B1 antisense RNA 1; plus strand). Cytogenetic location: 18q21.31.
Variant type: single nucleotide variant.
Coding change: c.3749A>G on transcript NM_001374385.1 (MANE Select); coding-DNA position 3749, A replaced by G.
Protein change: p.Asp1250Gly; replaces aspartic acid 1250 with glycine.
Molecular consequence: missense variant.
Genome position (GRCh38, 1-based): chr18:57,648,495, T>C on the plus strand (A>G on the coding strand, the complement: ATP8B1 is on the minus strand). VCF-style: chr18-57648495-T-C. GRCh37 (hg19) VCF-style: chr18-55315727-T-C.
Other names: c.3599A>G, p.Asp1200Gly (NM_001374386.1); c.3749A>G, p.Asp1250Gly (NM_005603.6); short protein forms D1250G, D1200G.
Identifiers: ClinVar variation 3807852 (VCV003807852.2).